The following is an entry in ClinVar:

NM_000136.3(FANCC):c.626G>T (p.Arg209Leu)

Genes: AOPEP (aminopeptidase O (putative); plus strand), FANCC (FA complementation group C; minus strand). Cytogenetic location: 9q22.32.
Variant type: single nucleotide variant.
Coding change: c.626G>T on transcript NM_000136.3 (MANE Select); coding-DNA position 626, G replaced by T.
Protein change: p.Arg209Leu; replaces arginine 209 with leucine.
Molecular consequence: missense variant.
Genome position (GRCh38, 1-based): chr9:95,149,983, C>A on the plus strand (G>T on the coding strand, the complement: FANCC is on the minus strand). VCF-style: chr9-95149983-C-A. GRCh37 (hg19) VCF-style: chr9-97912265-C-A.
Other names: c.626G>T, p.Arg209Leu (NM_001243743.2, NM_001243744.2); short protein forms R209L.
Identifiers: ClinVar variation 134306 (VCV000134306.1), dbSNP rs587778327, ClinGen allele CA159414.

ClinVar aggregate classification (germline): not provided (0 of 4 stars; one submission).

Submission:

ITMI
No classification provided. Condition: AllHighlyPenetrant. Last evaluated: 2013-09-19. Review status: no classification provided. Collection method: reference population. Allele origin: germline.
Comment: Please see associated publication for description of ethnicities

Literature cited by the submitters: PubMed 24728327.